The following is an entry in ClinVar:

ClinVar aggregate classification (germline): Uncertain significance (1 of 4 stars; one submission).

Conditions:
Left ventricular noncompaction 8 (LVNC8). Identifiers: Orphanet 154, Orphanet 54260, MedGen C3809288, MONDO:0014152, OMIM 615373.

Submission:

Labcorp Genetics (formerly Invitae), Labcorp
Classification: Uncertain significance for Left ventricular noncompaction 8. Last evaluated: 2025-03-03. Review status: criteria provided, single submitter. Criteria: Invitae Variant Classification Sherloc (09022015). Collection method: clinical testing. Allele origin: germline.
Comment: This sequence change creates a premature translational stop signal (p.Lys714Glyfs*80) in the PRDM16 gene. It is expected to result in an absent or disrupted protein product. However, the current clinical and genetic evidence is not sufficient to establish whether loss-of-function variants in PRDM16 cause disease. This variant is not present in population databases (gnomAD no frequency). This variant has not been reported in the literature in individuals affected with PRDM16-related conditions. In summary, the available evidence is currently insufficient to determine the role of this variant in disease. Therefore, it has been classified as a Variant of Uncertain Significance.

NM_022114.4(PRDM16):c.2081_2138dup (p.Lys714fs)

Gene: PRDM16 (PR/SET domain 16; plus strand). Cytogenetic location: 1p36.32.
Variant type: Duplication.
Coding change: c.2081_2138dup on transcript NM_022114.4 (MANE Select); coding-DNA positions 2081 to 2138, 58 bases duplicated.
Protein change: p.Lys714fs; shifts the reading frame from lysine 714.
Molecular consequence: frameshift variant.
Genome position (GRCh38, 1-based): chr1:3,412,278-3,412,335, 58 bases duplicated. GRCh37 (hg19): chr1:3,328,842-3,328,899.
Other names: c.2081_2138dup, p.Lys714fs (NM_199454.3); short protein forms K714fs.
Identifiers: ClinVar variation 3655166 (VCV003655166.2).